The following is an entry in ClinVar:

ClinVar aggregate classification (germline): Uncertain significance (1 of 4 stars; one submission).

Allele frequency attached by ClinVar (database versions not stated): ExAC 0.00002; ESP Exome Variant Server 0.00008.
gnomAD v4.1: 87 of 1,613,482 alleles (0.0054%); highest among the groups gnomAD compares: Non-Finnish European, 0.0069%; no homozygotes.

Submission:

CeGaT Center for Human Genetics Tuebingen
Classification: Uncertain significance. Last evaluated: 2023-03-01. Review status: criteria provided, single submitter. Criteria: CeGaT Center For Human Genetics Tuebingen Variant Classification Criteria Version 2. Collection method: clinical testing. Allele origin: germline. Affected: yes. Observed: 1 variant allele.
Comment: SOX5: PP2, BP5

NM_006940.6(SOX5):c.874G>T (p.Ala292Ser)

Gene: SOX5 (SRY-box transcription factor 5; minus strand). Cytogenetic location: 12p12.1.
Variant type: single nucleotide variant.
Coding change: c.874G>T on transcript NM_006940.6 (MANE Select); coding-DNA position 874, G replaced by T.
Protein change: p.Ala292Ser; replaces alanine 292 with serine.
Molecular consequence: missense variant.
Genome position (GRCh38, 1-based): chr12:23,665,501, C>A on the plus strand (G>T on the coding strand, the complement: SOX5 is on the minus strand). VCF-style: chr12-23665501-C-A. GRCh37 (hg19) VCF-style: chr12-23818435-C-A.
Other names: c.835G>T, p.Ala279Ser (NM_001261414.3, NM_152989.5); c.844G>T, p.Ala282Ser (NM_001261415.3); c.769G>T, p.Ala257Ser (NM_001330785.2); short protein forms A257S, A279S, A282S, A292S.
Identifiers: ClinVar variation 2498549 (VCV002498549.28), dbSNP rs201164077, ClinGen allele CA6484207.